The following is an entry in ClinVar:

ClinVar aggregate classification (germline): Pathogenic/Likely pathogenic. Review status: criteria provided, multiple submitters, no conflicts (2 of 4 stars). 3 submissions from 3 submitters: Pathogenic (1); Likely pathogenic (2). Last evaluated 2025-10-05.

Conditions:
DGUOK-related disorder. Also called: DGUOK-related condition.
Mitochondrial DNA depletion syndrome 3 (hepatocerebral type). Also called: Deoxyguanosine Kinase Deficiency; Mitochondrial DNA depletion syndrome, hepatocerebral form due to DGUOK deficiency; MITOCHONDRIAL DNA DEPLETION SYNDROME 3. Identifiers: Orphanet 279934, MedGen CN074093, MONDO:0009636, OMIM 251880.

Allele frequency attached by ClinVar (database versions not stated): gnomAD exomes below 0.00001 and 0.00001; gnomAD 0.00001; TOPMed 0.00001.
gnomAD v4.1: 11 of 1,612,854 alleles (0.00068%); highest among the groups gnomAD compares: Non-Finnish European, 0.00093%; no homozygotes.

Submissions (3):

Labcorp Genetics (formerly Invitae), Labcorp
Classification: Likely pathogenic. Last evaluated: 2025-10-05. Review status: criteria provided, single submitter. Criteria: Invitae Variant Classification Sherloc (09022015). Collection method: clinical testing. Allele origin: germline.
Comment: This sequence change replaces serine, which is neutral and polar, with phenylalanine, which is neutral and non-polar, at codon 52 of the DGUOK protein (p.Ser52Phe). This variant is present in population databases (no rsID available, gnomAD 0.0009%). This missense change has been observed in individuals with liver failure and/or mitochondrial DNA depletion syndrome (PMID: 16908739, 37976411, 38756539). ClinVar contains an entry for this variant (Variation ID: 488490). Invitae Evidence Modeling of protein sequence and biophysical properties (such as structural, functional, and spatial information, amino acid conservation, physicochemical variation, residue mobility, and thermodynamic stability) indicates that this missense variant is expected to disrupt DGUOK protein function with a positive predictive value of 95%. In summary, the currently available evidence indicates that the variant is pathogenic, but additional data are needed to prove that conclusively. Therefore, this variant has been classified as Likely Pathogenic.

Women's Health and Genetics/Laboratory Corporation of America, LabCorp
Classification: Likely pathogenic for DGUOK-Related Disorders. Last evaluated: 2025-07-15. Review status: criteria provided, single submitter. Criteria: LabCorp Variant Classification Summary - May 2015. Collection method: clinical testing. Allele origin: germline.
Comment: Variant summary: DGUOK c.155C>T (p.Ser52Phe) results in a non-conservative amino acid change located in the Deoxynucleoside kinase domain (IPR031314) of the encoded protein sequence. Algorithms developed to predict the effect of missense changes on protein structure and function all suggest that this variant is likely to be disruptive. The variant allele was found at a frequency of 4e-06 in 251462 control chromosomes. c.155C>T has been observed in individual(s) affected with DGUOK-Related Disorders (Freisinger_2006, Lenz_2024). These data indicate that the variant is likely to be associated with disease. To our knowledge, no experimental evidence demonstrating an impact on protein function has been reported. The following publications have been ascertained in the context of this evaluation (PMID: 16908739, 37976411, 38756539). ClinVar contains an entry for this variant (Variation ID: 488490). Based on the evidence outlined above, the variant was classified as likely pathogenic.

Institute of Human Genetics Munich, TUM University Hospital
Classification: Pathogenic for Mitochondrial DNA depletion syndrome 3 (hepatocerebral type). Last evaluated: 2017-11-08. Review status: criteria provided, single submitter. Criteria: Classification criteria August 2017. Collection method: clinical testing. Allele origin: paternal. Inheritance: Autosomal recessive inheritance. Affected: yes. Observed: 1 compound heterozygote.

Literature cited by the submitters: PubMed 16908739 (cited by Labcorp Genetics (formerly Invitae), Labcorp and Women's Health and Genetics/Laboratory Corporation of America, LabCorp); PubMed 37976411 (cited by Labcorp Genetics (formerly Invitae), Labcorp and Women's Health and Genetics/Laboratory Corporation of America, LabCorp); PubMed 38756539 (cited by Labcorp Genetics (formerly Invitae), Labcorp and Women's Health and Genetics/Laboratory Corporation of America, LabCorp).

NM_080916.3(DGUOK):c.155C>T (p.Ser52Phe)

Gene: DGUOK (deoxyguanosine kinase; plus strand). Cytogenetic location: 2p13.1.
Variant type: single nucleotide variant.
Coding change: c.155C>T on transcript NM_080916.3 (MANE Select); coding-DNA position 155, C replaced by T.
Protein change: p.Ser52Phe; replaces serine 52 with phenylalanine.
Molecular consequence: missense variant. On other transcripts: intron variant (4).
Genome position (GRCh38, 1-based): chr2:73,938,922, C>T. VCF-style: chr2-73938922-C-T. GRCh37 (hg19) VCF-style: chr2-74166049-C-T.
Other names: c.155C>T, p.Ser52Phe (NM_001318859.2, NM_080918.3); c.-37+6239C>T (NM_001318861.2, NM_001318862.2); c.-36-7797C>T (NM_001318860.2, NM_001318863.2); short protein forms S52F.
Identifiers: ClinVar variation 488490 (VCV000488490.12), dbSNP rs1204316787, ClinGen allele CA347297422.